The following is an entry in ClinVar:

NM_019842.4(KCNQ5):c.2378T>C (p.Val793Ala)

Gene: KCNQ5 (potassium voltage-gated channel subfamily Q member 5; plus strand). Cytogenetic location: 6q13.
Variant type: single nucleotide variant.
Coding change: c.2378T>C on transcript NM_019842.4 (MANE Select); coding-DNA position 2378, T replaced by C.
Protein change: p.Val793Ala; replaces valine 793 with alanine.
Molecular consequence: missense variant.
Genome position (GRCh38, 1-based): chr6:73,194,993, T>C. VCF-style: chr6-73194993-T-C. GRCh37 (hg19) VCF-style: chr6-73904716-T-C.
Other names: c.2351T>C, p.Val784Ala (NM_001160130.2); c.2408T>C, p.Val803Ala (NM_001160132.2); c.2435T>C, p.Val812Ala (NM_001160133.2); c.2048T>C, p.Val683Ala (NM_001160134.2); short protein forms V803A, V812A, V784A, V793A, V683A.
Identifiers: ClinVar variation 4999180 (VCV004999180.1).

ClinVar aggregate classification (germline): Uncertain significance (1 of 4 stars; one submission).

Conditions:
KCNQ5-related disorder. Also called: KCNQ5-related condition.

Submission:

PreventionGenetics, part of Exact Sciences
Classification: Uncertain significance for KCNQ5-related condition. Last evaluated: 2024-10-25. Review status: criteria provided, single submitter. Criteria: ACMG Guidelines, 2015. Collection method: clinical testing. Allele origin: germline.
Comment: The KCNQ5 c.2435T>C variant is predicted to result in the amino acid substitution p.Val812Ala. To our knowledge, this variant has not been reported in the literature or in a large population database (gnomAD), indicating this variant is rare. At this time, the clinical significance of this variant is uncertain due to the absence of conclusive functional and genetic evidence.